The following is an entry in ClinVar:

NM_024685.4(BBS10):c.466A>G (p.Ile156Val)

Gene: BBS10 (Bardet-Biedl syndrome 10; minus strand). Cytogenetic location: 12q21.2.
Variant type: single nucleotide variant.
Coding change: c.466A>G on transcript NM_024685.4 (MANE Select); coding-DNA position 466, A replaced by G.
Protein change: p.Ile156Val; replaces isoleucine 156 with valine.
Molecular consequence: missense variant.
Genome position (GRCh38, 1-based): chr12:76,347,519, T>C on the plus strand (A>G on the coding strand, the complement: BBS10 is on the minus strand). VCF-style: chr12-76347519-T-C. GRCh37 (hg19) VCF-style: chr12-76741299-T-C.
Other names: short protein forms I156V.
Identifiers: ClinVar variation 4989423 (VCV004989423.1).
Genomic context (GRCh38, chr12:76,347,519, plus strand): 5'-CTTCTAAGAGCAACTCTAAAGAGCTCCTACACAATGTTCTCTCTTTAGCAGACGAAAAGA[T>C]AGACAAAAAGTGTCTACTTAGGTACTGGTCCATAATACCGTCTAATATTTGTGTCTGAAA-3'
Protein context (NP_078961.3, residues 146-166): DQYLSRHFLS[Ile156Val]FSSAKERTLC

ClinVar aggregate classification (germline): Uncertain significance (1 of 4 stars; one submission).

Conditions:
BBS10-related disorder. Also called: BBS10-related condition.

gnomAD v4.1: 3 of 1,613,692 alleles (0.00019%); highest among the groups gnomAD compares: Non-Finnish European, 0.00025%; no homozygotes.

Submission:

PreventionGenetics, part of Exact Sciences
Classification: Uncertain significance for BBS10-related condition. Last evaluated: 2024-10-26. Review status: criteria provided, single submitter. Criteria: ACMG Guidelines, 2015. Collection method: clinical testing. Allele origin: germline.
Comment: The BBS10 c.466A>G variant is predicted to result in the amino acid substitution p.Ile156Val. To our knowledge, this variant has not been reported in the literature. This variant is reported in 0.0065% of alleles in individuals of European (Non-Finnish) descent in gnomAD. At this time, the clinical significance of this variant is uncertain due to the absence of conclusive functional and genetic evidence.